The following is an entry in ClinVar:

NM_018942.3(HMX1):c.892C>T (p.Pro298Ser)

Gene: HMX1 (H6 family homeobox 1; minus strand). Cytogenetic location: 4p16.1.
Variant type: single nucleotide variant.
Coding change: c.892C>T on transcript NM_018942.3 (MANE Select); coding-DNA position 892, C replaced by T.
Protein change: p.Pro298Ser; replaces proline 298 with serine.
Molecular consequence: missense variant. On other transcripts: intron variant (1).
Genome position (GRCh38, 1-based): chr4:8,867,848, G>A on the plus strand (C>T on the coding strand, the complement: HMX1 is on the minus strand). VCF-style: chr4-8867848-G-A. GRCh37 (hg19) VCF-style: chr4-8869574-G-A.
Other names: c.394+3373C>T (NM_001306142.2); short protein forms P298S.
Identifiers: ClinVar variation 1035474 (VCV001035474.8), dbSNP rs754707432, ClinGen allele CA356277557.

ClinVar aggregate classification (germline): Uncertain significance (1 of 4 stars; one submission).

Allele frequency attached by ClinVar (database versions not stated): gnomAD exomes below 0.00001; gnomAD 0.00001.
gnomAD v4.1: 3 of 1,239,908 alleles (0.00024%); highest among the groups gnomAD compares: East Asian, 0.0064%; no homozygotes.

Submission:

Labcorp Genetics (formerly Invitae), Labcorp
Classification: Uncertain significance. Last evaluated: 2022-02-08. Review status: criteria provided, single submitter. Criteria: Invitae Variant Classification Sherloc (09022015). Collection method: clinical testing. Allele origin: germline.
Comment: This sequence change replaces proline, which is neutral and non-polar, with serine, which is neutral and polar, at codon 298 of the HMX1 protein (p.Pro298Ser). In summary, the available evidence is currently insufficient to determine the role of this variant in disease. Therefore, it has been classified as a Variant of Uncertain Significance. Algorithms developed to predict the effect of missense changes on protein structure and function (SIFT, PolyPhen-2, Align-GVGD) all suggest that this variant is likely to be tolerated. ClinVar contains an entry for this variant (Variation ID: 1035474). This variant has not been reported in the literature in individuals affected with HMX1-related conditions. This variant is present in population databases (no rsID available, gnomAD 0.06%).